The following is an entry in ClinVar:

NM_000702.4(ATP1A2):c.800G>A (p.Arg267His)

Gene: ATP1A2 (ATPase Na+/K+ transporting subunit alpha 2; plus strand). Cytogenetic location: 1q23.2.
Variant type: single nucleotide variant.
Coding change: c.800G>A on transcript NM_000702.4 (MANE Select); coding-DNA position 800, G replaced by A.
Protein change: p.Arg267His; replaces arginine 267 with histidine.
Molecular consequence: missense variant.
Genome position (GRCh38, 1-based): chr1:160,127,603, G>A. VCF-style: chr1-160127603-G-A. GRCh37 (hg19) VCF-style: chr1-160097393-G-A.
Other names: short protein forms R267H.
Identifiers: ClinVar variation 1921163 (VCV001921163.6), dbSNP rs775979950, ClinGen allele CA1194293.

ClinVar aggregate classification (germline): Uncertain significance. Review status: criteria provided, multiple submitters, no conflicts (2 of 4 stars). 2 submissions from 2 submitters: Uncertain significance (2). Last evaluated 2025-12-15.

Conditions:
Familial hemiplegic migraine. Identifiers: MedGen C0338484, MONDO:0000700.
Inborn genetic diseases. Identifiers: MedGen C0950123, MeSH D030342.

Allele frequency attached by ClinVar (database versions not stated): gnomAD exomes below 0.00001; TOPMed below 0.00001; ExAC 0.00001; gnomAD 0.00001.
gnomAD v4.1: 4 of 1,614,134 alleles (0.00025%); highest among the groups gnomAD compares: South Asian, 0.0011%; no homozygotes.

Submissions (2):

Ambry Genetics
Classification: Uncertain significance for Inborn genetic diseases. Last evaluated: 2025-12-15. Review status: criteria provided, single submitter. Criteria: Ambry Variant Classification Scheme 2023. Collection method: clinical testing. Allele origin: germline.
Comment: The c.800G>A (p.R267H) alteration is located in exon 8 (coding exon 8) of the ATP1A2 gene. This alteration results from a G to A substitution at nucleotide position 800, causing the arginine (R) at amino acid position 267 to be replaced by a histidine (H). Based on data from gnomAD, the A allele has an overall frequency of <0.001% (1/251182) total alleles studied. The highest observed frequency was 0.001% (1/113482) of European (non-Finnish) alleles. Based on insufficient or conflicting evidence, the clinical significance of this alteration remains unclear.

Labcorp Genetics (formerly Invitae), Labcorp
Classification: Uncertain significance for Familial hemiplegic migraine. Last evaluated: 2024-02-17. Review status: criteria provided, single submitter. Criteria: Invitae Variant Classification Sherloc (09022015). Collection method: clinical testing. Allele origin: germline.
Comment: This sequence change replaces arginine, which is basic and polar, with histidine, which is basic and polar, at codon 267 of the ATP1A2 protein (p.Arg267His). This variant is present in population databases (rs775979950, gnomAD 0.0009%). This variant has not been reported in the literature in individuals affected with ATP1A2-related conditions. ClinVar contains an entry for this variant (Variation ID: 1921163). Advanced modeling of protein sequence and biophysical properties (such as structural, functional, and spatial information, amino acid conservation, physicochemical variation, residue mobility, and thermodynamic stability) performed at Invitae indicates that this missense variant is not expected to disrupt ATP1A2 protein function with a negative predictive value of 80%. In summary, the available evidence is currently insufficient to determine the role of this variant in disease. Therefore, it has been classified as a Variant of Uncertain Significance.